The following is an entry in ClinVar:

ClinVar aggregate classification (germline): Pathogenic. Review status: reviewed by expert panel (3 of 4 stars). 12 submissions from 12 submitters: Pathogenic (1). 11 of the submissions do not count toward it. Last evaluated 2013-09-05.

Conditions:
Inherited MMR deficiency (Lynch syndrome).
Hereditary nonpolyposis colon cancer (HNPCC). Also called: Hereditary nonpolyposis colorectal cancer; Familial nonpolyposis colon cancer; Hereditary Nonpolyposis Colorectal Cancer Syndrome. Identifiers: Orphanet 443909, MedGen C1333990, MONDO:0018630. Disease mechanism: loss of function.
Hereditary nonpolyposis colorectal neoplasms. Identifiers: MedGen C0009405, MeSH D003123.
Hereditary cancer-predisposing syndrome. Also called: Hereditary Cancer Syndrome; Hereditary neoplastic syndrome; Tumor predisposition; Neoplastic Syndromes, Hereditary. Identifiers: Orphanet 140162, MedGen C0027672, MeSH D009386, MONDO:0015356.
Lynch syndrome. Identifiers: Orphanet 144, MedGen C4552100, MONDO:0005835. Disease mechanism: loss of function.
Lynch syndrome 4 (LYNCH4). Also called: Colorectal cancer, hereditary nonpolyposis, type 4; Hereditary non-polyposis colorectal cancer, type 4. Identifiers: Orphanet 144, MedGen C1838333, MONDO:0013699, OMIM 614337. Disease mechanism: loss of function.

Submissions (12):

International Society for Gastrointestinal Hereditary Tumours (InSiGHT)
Classification: Pathogenic for Lynch Syndrome. Last evaluated: 2013-09-05. Review status: reviewed by expert panel. Criteria: Guidelines v1.9. Collection method: research. Allele origin: germline.
Comment: Coding sequence variation resulting in a stop codon

Classified with v1.9 guidelines

Dasa
Classification: Pathogenic. Last evaluated: 2026-04-22. Review status: criteria provided, single submitter. Criteria: DASA Assertion Criteria. Collection method: clinical testing. Allele origin: germline. Not counted in ClinVar's aggregate classification.
Comment: NM_000535.7(PMS2):c.1021del (p.Arg341Glyfs*15) introduces a premature termination codon predicted to result in loss of normal protein function. Loss-of-function is an established mechanism of disease for this gene. This variant has been recurrently observed in individuals with related phenotype (PMID: 15887124; PMID: 15887099; PMID: 31447099). The variant is present at low frequency in population datasets. Based on the available data, this variant is classified as pathogenic.

Labcorp Genetics (formerly Invitae), Labcorp
Classification: Pathogenic for Hereditary nonpolyposis colorectal neoplasms. Last evaluated: 2025-12-13. Review status: criteria provided, single submitter. Criteria: Invitae Variant Classification Sherloc (09022015). Collection method: clinical testing. Allele origin: germline. Not counted in ClinVar's aggregate classification.
Comment: This sequence change creates a premature translational stop signal (p.Arg341Glyfs*15) in the PMS2 gene. It is expected to result in an absent or disrupted protein product. Loss-of-function variants in PMS2 are known to be pathogenic (PMID: 21376568, 24362816). This variant is not present in population databases (gnomAD no frequency). This premature translational stop signal has been observed in individual(s) with clinical features of Lynch syndrome (PMID: 15887099, 15887124, 18602922). This variant is also known as c.1018delA. ClinVar contains an entry for this variant (Variation ID: 9240). For these reasons, this variant has been classified as Pathogenic.

Cambridge Genomics Laboratory, East Genomic Laboratory Hub, NHS Genomic Medicine Service
Classification: Pathogenic for Inherited MMR deficiency (Lynch syndrome). Last evaluated: 2025-12-05. Review status: criteria provided, single submitter. Criteria: ACGS Best Practice Guidelines for Variant Classification in Rare Disease 2020. Collection method: clinical testing. Allele origin: germline. Affected: yes. Not counted in ClinVar's aggregate classification.
Comment: PVS1,PM2_Supporting,PP4_Moderate

Ambry Genetics
Classification: Pathogenic for Hereditary cancer-predisposing syndrome. Last evaluated: 2025-05-29. Review status: criteria provided, single submitter. Criteria: Ambry Variant Classification Scheme 2023. Collection method: clinical testing. Allele origin: germline. Not counted in ClinVar's aggregate classification.
Comment: The c.1021delA pathogenic mutation, located in coding exon 10 of the PMS2 gene, results from a deletion of one nucleotide at nucleotide position 1021, causing a translational frameshift with a predicted alternate stop codon (p.R341Gfs*15). This mutation has been reported in multiple individuals with early onset colon cancer and was found to segregate with disease in a family meeting Amsterdam II criteria (Worthley DL et al. Gastroenterology. 2005 May;128:1431-6; Senter L et al. Gastroenterology. 2008 Aug;135:419-28). The authors referred to this alteration as c.1018delA (Truninger K et al. Gastroenterology. 2005 May;128:1160-71). This variant is considered to be rare based on population cohorts in the Genome Aggregation Database (gnomAD). In addition to the clinical data presented in the literature, this alteration is expected to result in loss of function by premature protein truncation or nonsense-mediated mRNA decay. As such, this alteration is interpreted as a disease-causing mutation.

GeneDx
Classification: Pathogenic. Last evaluated: 2025-03-26. Review status: criteria provided, single submitter. Criteria: GeneDx Variant Classification Process June 2021. Collection method: clinical testing. Allele origin: germline. Affected: yes. Not counted in ClinVar's aggregate classification.
Comment: Frameshift variant predicted to result in protein truncation or nonsense mediated decay in a gene for which loss of function is a known mechanism of disease; Not observed at significant frequency in large population cohorts (gnomAD); Truncating variants in this gene are considered pathogenic by a well-established clinical consortium and/or database; Identified in patients with colorectal cancer in published literature (PMID: 15887124, 18602922); This variant is associated with the following publications: (PMID: 18602922, 25856668, 17653898, 15887099, 26895986, 26269718, 15887124, 33087929, 32719484, 31447099)

Department of Pathology and Laboratory Medicine, Sinai Health System
Classification: Pathogenic for Lynch syndrome 4. Last evaluated: 2023-10-11. Review status: criteria provided, single submitter. Criteria: ACMG Guidelines, 2015. Collection method: clinical testing. Allele origin: germline. Affected: yes. Not counted in ClinVar's aggregate classification.

Myriad Genetics, Inc.
Classification: Pathogenic for Lynch syndrome 4. Last evaluated: 2023-09-20. Review status: criteria provided, single submitter. Criteria: Myriad Autosomal Dominant, Autosomal Recessive and X-Linked Classification Criteria (2023). Collection method: clinical testing. Allele origin: unknown. Not counted in ClinVar's aggregate classification.
Comment: This variant is considered pathogenic. This variant creates a frameshift predicted to result in premature protein truncation.

Women's Health and Genetics/Laboratory Corporation of America, LabCorp
Classification: Pathogenic for Hereditary nonpolyposis colon cancer. Last evaluated: 2021-04-08. Review status: criteria provided, single submitter. Criteria: LabCorp Variant Classification Summary - May 2015. Collection method: clinical testing. Allele origin: germline. Not counted in ClinVar's aggregate classification.
Comment: Variant summary: PMS2 c.1021delA (p.Arg341GlyfsX15) results in a premature termination codon, predicted to cause a truncation of the encoded protein or absence of the protein due to nonsense mediated decay, which are commonly known mechanisms for disease. Truncations downstream of this position have been classified as pathogenic by our laboratory. The variant was absent in 250990 control chromosomes (gnomAD). c.1021delA has been reported in the literature in multiple individuals affected with Hereditary Nonpolyposis Colorectal Cancer and was shown to segregate with disease in at least 1 family (e.g. Truninger_2005, Worthley_2006, Senter_2008, Schon_2018). These data indicate that the variant is very likely to be associated with disease. Five ClinVar submitters (evaluation after 2014) cite the variant as pathogenic. Based on the evidence outlined above, the variant was classified as pathogenic.

Color Diagnostics, LLC DBA Color Health
Classification: Pathogenic for Hereditary cancer-predisposing syndrome. Last evaluated: 2020-05-28. Review status: criteria provided, single submitter. Criteria: ACMG Guidelines, 2015. Collection method: clinical testing. Allele origin: germline. Not counted in ClinVar's aggregate classification.
Comment: This variant deletes 1 nucleotide in exon 10 of the PMS2 gene, creating a frameshift and premature translation stop signal. This variant is expected to result in an absent or non-functional protein product. This variant has been reported in individuals affected with colorectal cancer (PMID: 15887124, 18602922) and sebaceous neoplasms (PMID: 29333623). This variant has not been identified in the general population by the Genome Aggregation Database (gnomAD). Loss of PMS2 function is a known mechanism of disease. Based on the available evidence, this variant is classified as Pathogenic.

Laboratory for Molecular Medicine, Mass General Brigham Personalized Medicine
Classification: Pathogenic for Lynch syndrome. Last evaluated: 2019-04-19. Review status: criteria provided, single submitter. Criteria: LMM Criteria. Collection method: clinical testing. Allele origin: germline. Inheritance: Autosomal dominant inheritance. Observed: 1 variant allele. Not counted in ClinVar's aggregate classification.
Comment: The p.Arg341GlyfsX15 variant in PMS2 has been identified in at least 1 individual with PMS2-associated cancer and segregated with the disease in 2 affected family members (one with endometrial cancer and one with colon polyps; Worthley 2005). This variant was absent from large population studies. This variant is predicted to cause a frameshift, which alters the proteinâ€™s amino acid sequence beginning at position 341 and leads to a premature termination codon 15 amino acids downstream. This alteration is then predicted to lead to a truncated or absent protein. Heterozygous loss of function of function of the PMS2 gene is an established disease mechanism in Lynch syndrome. In summary, this variant meets criteria to be classified as pathogenic for Lynch syndrome in an autosomal dominant manner based upon predicted impact to the protein. ACMG/AMP Criteria applied: PM2, PVS1.

OMIM
Classification: Pathogenic for LYNCH SYNDROME 4. Last evaluated: 2005-05-01. Review status: no assertion criteria provided. Collection method: literature only. Allele origin: germline. Not counted in ClinVar's aggregate classification.

Literature cited by the submitters: PubMed 15887124 (cited by 4 submitters); PubMed 15887099 (cited by 3 submitters); PubMed 31447099 (cited by Dasa); PubMed 21376568 (cited by Labcorp Genetics (formerly Invitae), Labcorp); PubMed 24362816 (cited by Labcorp Genetics (formerly Invitae), Labcorp); PubMed 18602922 (cited by Labcorp Genetics (formerly Invitae), Labcorp and Women's Health and Genetics/Laboratory Corporation of America, LabCorp); PubMed 17072973 (cited by Women's Health and Genetics/Laboratory Corporation of America, LabCorp); PubMed 29333623 (cited by Women's Health and Genetics/Laboratory Corporation of America, LabCorp).

NM_000535.7(PMS2):c.1021del (p.Arg341fs)

Gene: PMS2 (PMS1 homolog 2, mismatch repair system component; minus strand). Cytogenetic location: 7p22.1.
Variant type: Deletion.
Coding change: c.1021del on transcript NM_000535.7 (MANE Select); coding-DNA position 1021, one base deleted (A; older notation c.1021delA).
Protein change: p.Arg341fs; shifts the reading frame from arginine 341.
Molecular consequence: frameshift variant. On other transcripts: non-coding transcript variant (1), intron variant (2).
Genome position (GRCh38, 1-based): chr7:5,989,923, T deleted on the plus strand (A on the coding strand, the reverse complement: PMS2 is on the minus strand); the first of 4 consecutive T bases (chr7:5,989,923-5,989,926); deleting any one gives the same sequence. VCF-style (leftmost placement, unchanged base first): chr7-5989922-CT-C. GRCh37 (hg19) VCF-style: chr7-6029553-CT-C.
Other names: c.1021delA (NM_000535.6); c.616del, p.Arg206fs (NM_001322003.2, NM_001322004.2, NM_001322005.2 and 1 more transcripts); c.703del, p.Arg235fs (NM_001322007.2, NM_001322008.2); c.88del, p.Arg30fs (NM_001322011.2, NM_001322012.2); c.448del, p.Arg150fs (NM_001322013.2); c.1021del, p.Arg341fs (NM_001322014.2); c.712del, p.Arg238fs (NM_001322015.2); c.583+2050del (NM_001322010.2); and 1 more; short protein forms R206fs, R341fs, R150fs, R235fs, R238fs, R30fs.
Identifiers: ClinVar variation 9240 (VCV000009240.33), dbSNP rs63750049, ClinGen allele CA009113.